The following is an entry in ClinVar:

ClinVar aggregate classification (germline): Uncertain significance. Review status: criteria provided, multiple submitters, no conflicts (2 of 4 stars). 4 submissions from 4 submitters: Uncertain significance (4). Last evaluated 2025-01-23.

Conditions:
RP1-related disorder. Also called: RP1-related condition.
Inborn genetic diseases. Identifiers: MedGen C0950123, MeSH D030342.

Allele frequency attached by ClinVar (database versions not stated): ExAC 0.00002; gnomAD exomes 0.00002; TOPMed 0.00011; gnomAD 0.00013 and 0.00016; ESP Exome Variant Server 0.00023.
gnomAD v4.1: 30 of 1,613,498 alleles (0.0019%); highest among the groups gnomAD compares: African/African-American, 0.039%; no homozygotes.

Submissions (4):

PreventionGenetics, part of Exact Sciences
Classification: Uncertain significance for RP1-related condition. Last evaluated: 2025-01-23. Review status: criteria provided, single submitter. Criteria: ACMG Guidelines, 2015. Collection method: clinical testing. Allele origin: germline.
Comment: The RP1 c.1943A>C variant is predicted to result in the amino acid substitution p.Glu648Ala. To our knowledge, this variant has not been reported in the literature. This variant is reported in 0.045% of alleles in individuals of African descent in gnomAD. At this time, the clinical significance of this variant is uncertain due to the absence of conclusive functional and genetic evidence.

Labcorp Genetics (formerly Invitae), Labcorp
Classification: Uncertain significance. Last evaluated: 2024-10-05. Review status: criteria provided, single submitter. Criteria: Invitae Variant Classification Sherloc (09022015). Collection method: clinical testing. Allele origin: germline.
Comment: This sequence change replaces glutamic acid, which is acidic and polar, with alanine, which is neutral and non-polar, at codon 648 of the RP1 protein (p.Glu648Ala). This variant is present in population databases (rs371614106, gnomAD 0.05%). This variant has not been reported in the literature in individuals affected with RP1-related conditions. ClinVar contains an entry for this variant (Variation ID: 934005). An algorithm developed to predict the effect of missense changes on protein structure and function (PolyPhen-2) suggests that this variant is likely to be tolerated. In summary, the available evidence is currently insufficient to determine the role of this variant in disease. Therefore, it has been classified as a Variant of Uncertain Significance.

Ambry Genetics
Classification: Uncertain significance for Inborn genetic diseases. Last evaluated: 2022-09-06. Review status: criteria provided, single submitter. Criteria: Ambry Variant Classification Scheme 2023. Collection method: clinical testing. Allele origin: germline.

Blueprint Genetics
Classification: Uncertain significance. Last evaluated: 2018-05-13. Review status: criteria provided, single submitter. Criteria: ACMG Guidelines, 2015. Collection method: clinical testing. Allele origin: germline.

NM_006269.2(RP1):c.1943A>C (p.Glu648Ala)

Gene: RP1 (RP1 axonemal microtubule associated; plus strand). Cytogenetic location: 8q12.1.
Variant type: single nucleotide variant.
Coding change: c.1943A>C on transcript NM_006269.2 (MANE Select); coding-DNA position 1943, A replaced by C.
Protein change: p.Glu648Ala; replaces glutamic acid 648 with alanine.
Molecular consequence: missense variant. On other transcripts: intron variant (1).
Genome position (GRCh38, 1-based): chr8:54,625,825, A>C. VCF-style: chr8-54625825-A-C. GRCh37 (hg19) VCF-style: chr8-55538385-A-C.
Other names: c.787+3537A>C (NM_001375654.1); short protein forms E648A.
Identifiers: ClinVar variation 934005 (VCV000934005.12), dbSNP rs371614106, ClinGen allele CA4751449.